The following is an entry in ClinVar:

NM_004360.5(CDH1):c.362A>G (p.His121Arg)

Gene: CDH1 (cadherin 1; plus strand). Cytogenetic location: 16q22.1.
Variant type: single nucleotide variant.
Coding change: c.362A>G on transcript NM_004360.5 (MANE Select); coding-DNA position 362, A replaced by G.
Protein change: p.His121Arg; replaces histidine 121 with arginine.
Molecular consequence: missense variant. On other transcripts: 5 prime UTR variant (2).
Genome position (GRCh38, 1-based): chr16:68,801,868, A>G. VCF-style: chr16-68801868-A-G. GRCh37 (hg19) VCF-style: chr16-68835771-A-G.
Other names: c.362A>G, p.His121Arg (NM_001317184.2); c.-1254A>G (NM_001317185.2); c.-1458A>G (NM_001317186.2); short protein forms H121R.
Identifiers: ClinVar variation 2998991 (VCV002998991.4), dbSNP rs2543905816, ClinGen allele CA396457464.

ClinVar aggregate classification (germline): Conflicting classifications of pathogenicity. Review status: criteria provided, conflicting classifications (1 of 4 stars). 2 submissions from 2 submitters: Uncertain significance (1); Likely benign (1). Last evaluated 2025-08-01.

Conditions:
Hereditary cancer-predisposing syndrome. Also called: Hereditary Cancer Syndrome; Hereditary neoplastic syndrome; Neoplastic Syndromes, Hereditary; Tumor predisposition. Identifiers: Orphanet 140162, MedGen C0027672, MeSH D009386, MONDO:0015356.
Hereditary diffuse gastric adenocarcinoma (HDGC). Also called: DIFFUSE GASTRIC AND LOBULAR BREAST CANCER SYNDROME. Identifiers: Orphanet 26106, MedGen C1708349, MONDO:0007648, OMIM 137215.

Submissions (2):

Ambry Genetics
Classification: Likely benign for Hereditary cancer-predisposing syndrome. Last evaluated: 2025-08-01. Review status: criteria provided, single submitter. Criteria: Ambry Variant Classification Scheme 2023. Collection method: clinical testing. Allele origin: germline.

Labcorp Genetics (formerly Invitae), Labcorp
Classification: Uncertain significance for Hereditary diffuse gastric adenocarcinoma. Last evaluated: 2023-10-16. Review status: criteria provided, single submitter. Criteria: Invitae Variant Classification Sherloc (09022015). Collection method: clinical testing. Allele origin: germline.
Comment: This sequence change replaces histidine, which is basic and polar, with arginine, which is basic and polar, at codon 121 of the CDH1 protein (p.His121Arg). This variant is not present in population databases (gnomAD no frequency). This variant has not been reported in the literature in individuals affected with CDH1-related conditions. Algorithms developed to predict the effect of missense changes on protein structure and function output the following: SIFT: "Not Available"; PolyPhen-2: "Benign"; Align-GVGD: "Not Available". The arginine amino acid residue is found in multiple mammalian species, which suggests that this missense change does not adversely affect protein function. In summary, the available evidence is currently insufficient to determine the role of this variant in disease. Therefore, it has been classified as a Variant of Uncertain Significance.